The following is an entry in ClinVar:

ClinVar aggregate classification (germline): Likely benign. Review status: criteria provided, multiple submitters, no conflicts (2 of 4 stars). 2 submissions from 2 submitters: Likely benign (2). Last evaluated 2026-01-28.

Allele frequency attached by ClinVar (database versions not stated): gnomAD exomes 0.00002; gnomAD 0.00004; TOPMed 0.00005; ExAC 0.00006.
gnomAD v4.1: 42 of 1,613,818 alleles (0.0026%); highest among the groups gnomAD compares: African/African-American, 0.004%; no homozygotes.

Submissions (2):

Labcorp Genetics (formerly Invitae), Labcorp
Classification: Likely benign. Last evaluated: 2026-01-28. Review status: criteria provided, single submitter. Criteria: Invitae Variant Classification Sherloc (09022015). Collection method: clinical testing. Allele origin: germline.

CeGaT Center for Human Genetics Tuebingen
Classification: Likely benign. Last evaluated: 2025-12-01. Review status: criteria provided, single submitter. Criteria: CeGaT Center For Human Genetics Tuebingen Variant Classification Criteria Version 2. Collection method: clinical testing. Allele origin: germline. Affected: yes. Observed: 1 variant allele.
Comment: ABCA12: BP4, BP7

NM_173076.3(ABCA12):c.2538G>A (p.Ser846=)

Gene: ABCA12 (ATP binding cassette subfamily A member 12; minus strand). Cytogenetic location: 2q35.
Variant type: single nucleotide variant.
Coding change: c.2538G>A on transcript NM_173076.3 (MANE Select); coding-DNA position 2538, G replaced by A.
Protein change: p.Ser846=; no amino-acid change (serine 846 retained).
Molecular consequence: synonymous variant. On other transcripts: non-coding transcript variant (1).
Genome position (GRCh38, 1-based): chr2:215,007,781, C>T on the plus strand (G>A on the coding strand, the complement: ABCA12 is on the minus strand). VCF-style: chr2-215007781-C-T. GRCh37 (hg19) VCF-style: chr2-215872505-C-T.
Other names: c.1584G>A, p.Ser528= (NM_015657.4).
Identifiers: ClinVar variation 2955307 (VCV002955307.8), dbSNP rs766017844, ClinGen allele CA2091942.